The following is an entry in ClinVar:

NM_000069.3(CACNA1S):c.3745C>T (p.Arg1249Trp)

Gene: CACNA1S (calcium voltage-gated channel subunit alpha1 S; minus strand). Cytogenetic location: 1q32.1.
Variant type: single nucleotide variant.
Coding change: c.3745C>T on transcript NM_000069.3 (MANE Select); coding-DNA position 3745, C replaced by T.
Protein change: p.Arg1249Trp; replaces arginine 1249 with tryptophan.
Molecular consequence: missense variant.
Genome position (GRCh38, 1-based): chr1:201,053,509, G>A on the plus strand (C>T on the coding strand, the complement: CACNA1S is on the minus strand). VCF-style: chr1-201053509-G-A. GRCh37 (hg19) VCF-style: chr1-201022637-G-A.
Other names: short protein forms R1249W.
Identifiers: ClinVar variation 983515 (VCV000983515.12), dbSNP rs762394267, ClinGen allele CA082791.

ClinVar aggregate classification (germline): Uncertain significance. Review status: criteria provided, multiple submitters, no conflicts (2 of 4 stars). 9 submissions from 6 submitters: Uncertain significance (8). 1 of the submissions does not count toward it. Last evaluated 2023-04-11.

Conditions:
Hypokalemic periodic paralysis, type 1. Also called: HypoPP; Hypokalemic Periodic Paralysis Type 1 (AD). Identifiers: Orphanet 681, MedGen C3714580, MONDO:0042979, OMIM 170400.
Malignant hyperthermia, susceptibility to, 5 (MHS5). Also called: CACNA1S-Related Malignant Hyperthermia Susceptibility. Identifiers: Orphanet 423, MedGen C1866077, MONDO:0011163, OMIM 601887.
Thyrotoxic periodic paralysis, susceptibility to, 1 (TTPP1). Identifiers: Orphanet 79102, MedGen C2749982, MONDO:0008570, OMIM 188580.
CACNA1S-related disorder. Also called: CACNA1S-related condition.
Congenital myopathy 18. Also called: Myopathy, congenital, due to dihydropyridine receptor defect; DIHYDROPYRIDINE RECEPTOR CONGENITAL MYOPATHY; DHPR CONGENITAL MYOPATHY. Identifiers: MedGen C5830283, MONDO:0859514, OMIM 620246.

Allele frequency attached by ClinVar (database versions not stated): ExAC 0.00001; gnomAD exomes 0.00001 and 0.00002.
gnomAD v4.1: 9 of 1,614,152 alleles (0.00056%); highest among the groups gnomAD compares: Middle Eastern, 0.033%; no homozygotes.

Submissions (9):

Genome-Nilou Lab
Classification: Uncertain significance for Malignant hyperthermia, susceptibility to, 5. Last evaluated: 2023-04-11. Review status: criteria provided, single submitter. Criteria: ACMG Guidelines, 2015. Collection method: clinical testing. Allele origin: germline. Affected: no.

Genome-Nilou Lab
Classification: Uncertain significance for Thyrotoxic periodic paralysis, susceptibility to, 1. Last evaluated: 2023-04-11. Review status: criteria provided, single submitter. Criteria: ACMG Guidelines, 2015. Collection method: clinical testing. Allele origin: germline. Affected: no.

Genome-Nilou Lab
Classification: Uncertain significance for Congenital myopathy 18. Last evaluated: 2023-04-11. Review status: criteria provided, single submitter. Criteria: ACMG Guidelines, 2015. Collection method: clinical testing. Allele origin: germline. Affected: no.

Genome-Nilou Lab
Classification: Uncertain significance for Hypokalemic periodic paralysis, type 1. Last evaluated: 2023-04-11. Review status: criteria provided, single submitter. Criteria: ACMG Guidelines, 2015. Collection method: clinical testing. Allele origin: germline. Affected: no.

Labcorp Genetics (formerly Invitae), Labcorp
Classification: Uncertain significance for Hypokalemic periodic paralysis, type 1; Malignant hyperthermia, susceptibility to, 5. Last evaluated: 2023-03-09. Review status: criteria provided, single submitter. Criteria: Invitae Variant Classification Sherloc (09022015). Collection method: clinical testing. Allele origin: germline.
Comment: ClinVar contains an entry for this variant (Variation ID: 983515). Advanced modeling of protein sequence and biophysical properties (such as structural, functional, and spatial information, amino acid conservation, physicochemical variation, residue mobility, and thermodynamic stability) has been performed at Invitae for this missense variant, however the output from this modeling did not meet the statistical confidence thresholds required to predict the impact of this variant on CACNA1S protein function. In summary, the available evidence is currently insufficient to determine the role of this variant in disease. Therefore, it has been classified as a Variant of Uncertain Significance. This variant has not been reported in the literature in individuals affected with CACNA1S-related conditions. This sequence change replaces arginine, which is basic and polar, with tryptophan, which is neutral and slightly polar, at codon 1249 of the CACNA1S protein (p.Arg1249Trp). This variant is present in population databases (rs762394267, gnomAD 0.006%).

All of Us Research Program, National Institutes of Health
Classification: Uncertain significance for Malignant hyperthermia, susceptibility to, 5. Last evaluated: 2023-02-24. Review status: criteria provided, single submitter. Criteria: ACMG Guidelines, 2015. Collection method: clinical testing. Allele origin: germline. Inheritance: Autosomal dominant inheritance. Observed: 1 variant allele, 1 heterozygote.
Comment: This missense variant replaces arginine with tryptophan at codon 1249 of the CACNA1S protein. Computational prediction suggests that this variant may have deleterious impact on protein structure and function (internally defined REVEL score threshold >= 0.7, PMID: 27666373). To our knowledge, functional studies have not been reported for this variant. This variant has not been reported in individuals affected with CACNA1S-related disorders in the literature. This variant has been identified in 4/251354 chromosomes in the general population by the Genome Aggregation Database (gnomAD). The available evidence is insufficient to determine the role of this variant in disease conclusively. Therefore, this variant is classified as a Variant of Uncertain Significance.

This study involves interpretation of variants in research participants for the purpose of population health screening. Participant phenotype was not available at the time of variant classification. Additional details can be found in publication PMID: 35346344, PMCID: PMC8962531

Fulgent Genetics
Classification: Uncertain significance for Hypokalemic periodic paralysis, type 1; Thyrotoxic periodic paralysis, susceptibility to, 1; Malignant hyperthermia, susceptibility to, 5. Last evaluated: 2022-05-24. Review status: criteria provided, single submitter. Criteria: ACMG Guidelines, 2015. Collection method: clinical testing. Allele origin: unknown.

Johns Hopkins Genomics, Johns Hopkins University
Classification: Uncertain significance for Hypokalemic periodic paralysis, type 1. Last evaluated: 2020-10-22. Review status: criteria provided, single submitter. Criteria: ACMG Guidelines, 2015. Collection method: clinical testing. Allele origin: germline.
Comment: This CACNA1S variant (rs762394267) is rare (<0.1%) in a large population dataset (gnomAD: 4/251354 total alleles; 0.002%; no homozygotes) and has not been reported in ClinVar nor the literature, to our knowledge. Three bioinformatic tools queried predict that this substitution would be damaging, and the arginine residue at this position is highly evolutionarily conserved across most species assessed. Due to insufficient evidence, we consider the clinical significance of c.3745C>T to be uncertain at this time.

PreventionGenetics, part of Exact Sciences
Classification: Uncertain significance for CACNA1S-related condition. Last evaluated: 2024-05-03. Review status: no assertion criteria provided. Collection method: clinical testing. Allele origin: germline. Not counted in ClinVar's aggregate classification.
Comment: The CACNA1S c.3745C>T variant is predicted to result in the amino acid substitution p.Arg1249Trp. To our knowledge, this variant has not been reported in the literature. This variant is reported in 0.0065% of alleles in individuals of South Asian descent in gnomAD. At this time, the clinical significance of this variant is uncertain due to the absence of conclusive functional and genetic evidence.